The following is an entry in ClinVar:

NM_001164688.2(RD3):c.*1649T>C

Gene: RD3 (RD3 regulator of GUCY2D; minus strand). Cytogenetic location: 1q32.3.
Variant type: single nucleotide variant.
Coding change: c.*1649T>C on transcript NM_001164688.2 (MANE Select); 1649 bases downstream of the stop codon, T replaced by C.
Molecular consequence: 3 prime UTR variant.
Genome position (GRCh38, 1-based): chr1:211,477,387, A>G on the plus strand (T>C on the coding strand, the complement: RD3 is on the minus strand). VCF-style: chr1-211477387-A-G. GRCh37 (hg19) VCF-style: chr1-211650729-A-G.
Other names: c.*1649T>C (NM_183059.3).
Identifiers: ClinVar variation 295231 (VCV000295231.6), dbSNP rs12076715, ClinGen allele CA10609695.
Genomic context (GRCh38, chr1:211,477,387, plus strand): 5'-GCCTGTAGTCCCAGCTACTTAGGAGGCTGAGGCAGAAGAATCACTTGAACCCGGGAGGCA[A>G]AGGTTGTGGTGAGCCGAGATCACGCCACTGCACTGCAGCCTGGGTAACAGAGTGAGACTC-3'

ClinVar aggregate classification (germline): Benign. Review status: criteria provided, multiple submitters, no conflicts (2 of 4 stars). 2 submissions from 2 submitters: Benign (2). Last evaluated 2018-01-13.

Conditions:
Leber congenital amaurosis 12 (LCA12). Identifiers: Orphanet 65, MedGen C1857743, MONDO:0012525, OMIM 610612.

Allele frequency attached by ClinVar (database versions not stated): gnomAD 0.18700 and 0.18816; TOPMed 0.19995; 1000 Genomes Project 0.24880; 1000 Genomes Project 30x 0.25281.

Submissions (2):

Illumina Laboratory Services, Illumina
Classification: Benign for Leber congenital amaurosis 12. Last evaluated: 2018-01-13. Review status: criteria provided, single submitter. Criteria: ICSL Variant Classification Criteria 13 December 2019. Collection method: clinical testing. Allele origin: germline.
Comment: This variant was observed in the ICSL laboratory as part of a predisposition screen in an ostensibly healthy population. It had not been previously curated by ICSL or reported in the Human Gene Mutation Database (HGMD: prior to June 1st, 2018), and was therefore a candidate for classification through an automated scoring system. Utilizing variant allele frequency, disease prevalence and penetrance estimates, and inheritance mode, an automated score was calculated to assess if this variant is too frequent to cause the disease. Based on the score and internal cut-off values, a variant classified as benign is not then subjected to further curation. The score for this variant resulted in a classification of benign for this disease.

Breakthrough Genomics
Classification: Benign. Review status: criteria provided, single submitter. Criteria: ACMG Guidelines, 2015. Collection method: not provided. Allele origin: germline. Inheritance: Autosomal recessive inheritance. Affected: yes.